The following is an entry in ClinVar:

ClinVar aggregate classification (germline): Uncertain significance (1 of 4 stars; one submission).

Allele frequency attached by ClinVar (database versions not stated): gnomAD 0.00001; gnomAD exomes 0.00001.
gnomAD v4.1: 4 of 1,614,094 alleles (0.00025%); highest among the groups gnomAD compares: Non-Finnish European, 0.00034%; no homozygotes.

Submission:

GeneDx
Classification: Uncertain significance. Last evaluated: 2015-01-12. Review status: criteria provided, single submitter. Criteria: GeneDx Variant Classification (06012015). Collection method: clinical testing. Allele origin: germline. Affected: yes.
Comment: p.Ser1121Gly (AGT>GGT): c.3361 A>G in exon 12 of the MBD5 gene (NM_018328.4) The S1121G variant has not been published as a mutation, nor has it been reported as a benign polymorphism to our knowledge. It was not observed in approximately 6,500 individuals of European and African American ancestry in the NHLBI Exome Sequencing Project, indicating it is not a common benign variant in these populations. The S1121G variant is a non-conservative amino acid substitution, which is likely to impact secondary protein structure as these residues differ in polarity, charge, size and/or other properties. This substitution occurs at a position that is conserved across species, and in silico analysis predicts this variant is probably damaging to the protein structure/function. However, to our knowledge, only deletions and frameshift mutations in MBD5 have been published in association with epilepsy. Therefore, based on the currently available information, it is unclear whether this variant is a pathogenic mutation or a rare benign variant. The variant is found in CHILD-EPIV2-1 panel(s).

NM_001378120.1(MBD5):c.4060A>G (p.Ser1354Gly)

Gene: MBD5 (methyl-CpG binding domain protein 5; plus strand). Cytogenetic location: 2q23.1.
Variant type: single nucleotide variant.
Coding change: c.4060A>G on transcript NM_001378120.1 (MANE Select); coding-DNA position 4060, A replaced by G.
Protein change: p.Ser1354Gly; replaces serine 1354 with glycine.
Molecular consequence: missense variant.
Genome position (GRCh38, 1-based): chr2:148,489,692, A>G. VCF-style: chr2-148489692-A-G. GRCh37 (hg19) VCF-style: chr2-149247261-A-G.
Other names: p.S1121G:AGT>GGT; c.3361A>G, p.Ser1121Gly (NM_018328.5); short protein forms S1121G, S1354G.
Identifiers: ClinVar variation 206098 (VCV000206098.2), dbSNP rs796052717, ClinGen allele CA315852.
Genomic context (GRCh38, chr2:148,489,692, plus strand): 5'-CAGGTTGTCATCACCACTGCAGTCAACAGTACAACTCAGATCAGCCCCATTCCAGCTCTG[A>G]GTGCCATGAGTGCCTTCACTGCCTCAATTGGTGACCCATTAAATCTCTCCAGTGCTGTCA-3'
Protein context (NP_001365049.1, residues 1344-1364): TTQISPIPAL[Ser1354Gly]AMSAFTASIG